The following is an entry in ClinVar:

NM_001165963.4(SCN1A):c.3649C>T (p.His1217Tyr)

Genes: SCN1A (sodium voltage-gated channel alpha subunit 1; minus strand), LOC102724058 (uncharacterized LOC102724058; plus strand). Cytogenetic location: 2q24.3.
Variant type: single nucleotide variant.
Coding change: c.3649C>T on transcript NM_001165963.4 (MANE Select); coding-DNA position 3649, C replaced by T.
Protein change: p.His1217Tyr; replaces histidine 1217 with tyrosine.
Molecular consequence: missense variant. On other transcripts: non-coding transcript variant (1).
Genome position (GRCh38, 1-based): chr2:166,013,800, G>A on the plus strand (C>T on the coding strand, the complement: SCN1A is on the minus strand). VCF-style: chr2-166013800-G-A. GRCh37 (hg19) VCF-style: chr2-166870310-G-A.
Other names: c.3565C>T, p.His1189Tyr (NM_001165964.3, NM_001353957.2, NM_001353958.2); c.3649C>T, p.His1217Tyr (NM_001202435.3, NM_001353948.2); c.3616C>T, p.His1206Tyr (NM_001353949.2, NM_001353950.2, NM_001353951.2 and 2 more transcripts); c.3613C>T, p.His1205Tyr (NM_001353954.2, NM_001353955.2); c.3562C>T, p.His1188Tyr (NM_001353960.2); c.1207C>T, p.His403Tyr (NM_001353961.2); short protein forms H1188Y, H1189Y, H1205Y, H1206Y, H1217Y, H403Y.
Identifiers: ClinVar variation 4882021 (VCV004882021.2).
Genomic context (GRCh38, chr2:166,013,800, plus strand): 5'-TCACCAGAGCACCACTACTAAGGAGAATCATGAAAACAATGAAGGTCTCAAACCAGTTAT[G>A]TTCAACTATTCGGAAACACGTCCTTCTCAGGTTCCACCATTGTTTTCCTCTGCCTTCTTC-3'
Protein context (NP_001159435.1, residues 1207-1227): LRRTCFRIVE[His1217Tyr]NWFETFIVFM

ClinVar aggregate classification (germline): Uncertain significance (1 of 4 stars; one submission).

Submission:

Dasa
Classification: Uncertain significance. Last evaluated: 2026-04-14. Review status: criteria provided, single submitter. Criteria: DASA Assertion Criteria. Collection method: clinical testing. Allele origin: germline.
Comment: NM_001165963.4(SCN1A):c.3649C>T (p.His1217Tyr) is a missense variant that results in the substitution of histidine with tyrosine. This variant is absent from population databases. Computational prediction algorithms are consistent with a deleterious effect. The currently available literature and clinical evidence are not sufficient to establish a definitive association between this variant and the reported condition. Therefore, this variant is classified as a variant of uncertain significance.